The following is an entry in ClinVar:

ClinVar aggregate classification (germline): Pathogenic (1 of 4 stars; one submission).

Conditions:
Multiple congenital exostosis (EXT). Also called: Multiple osteochondromas; MULTIPLE CARTILAGINOUS EXOSTOSES; Hereditary multiple exostoses; Hereditary multiple exostosis; Hereditary multiple osteochondromas; Multiple exostoses. Identifiers: Orphanet 321, MedGen C0015306, MONDO:0005508, HP:0002762.

Submission:

Labcorp Genetics (formerly Invitae), Labcorp
Classification: Pathogenic for Multiple congenital exostosis. Last evaluated: 2022-07-19. Review status: criteria provided, single submitter. Criteria: Invitae Variant Classification Sherloc (09022015). Collection method: clinical testing. Allele origin: germline.
Comment: For these reasons, this variant has been classified as Pathogenic. A similar copy number variant has been observed in individual(s) with multiple osteochondromas (PMID: 19810120, 21703028). This variant is a gross deletion of the genomic region encompassing exon(s) 2-3 of the EXT1 gene. This deletion is out-of-frame, and is expected to create a premature termination codon and result in an absent or disrupted protein product. Loss-of-function variants in EXT1 are known to be pathogenic (PMID: 10679937, 11391482, 19810120).

Literature cited by the submitters: PubMed 19810120; PubMed 21703028; PubMed 10679937; PubMed 11391482.

NC_000008.10:g.(?_118847663)_(118849460_?)del

Gene: EXT1 (exostosin glycosyltransferase 1; minus strand). Cytogenetic location: 8q24.11.
Variant type: Deletion.
Identifiers: ClinVar variation 1454543 (VCV001454543.7).